The following is an entry in ClinVar:

NM_000516.7(GNAS):c.433-3C>G

Gene: GNAS (GNAS complex locus; plus strand). Cytogenetic location: 20q13.32.
Variant type: single nucleotide variant.
Coding change: c.433-3C>G on transcript NM_000516.7 (MANE Select); 3 bases into the intron before coding-DNA position 433, C replaced by G.
Molecular consequence: intron variant.
Genome position (GRCh38, 1-based): chr20:58,905,380, C>G. VCF-style: chr20-58905380-C-G. GRCh37 (hg19) VCF-style: chr20-57480435-C-G.
Other names: c.*339-3C>G (NM_016592.5); c.337-3C>G (NM_001410912.1); c.256-3C>G (NM_001309861.2, NM_001309840.2); c.*294-3C>G (NM_001077490.3); c.2362-3C>G (NM_080425.4); c.2317-3C>G (NM_001410913.1); c.436-3C>G (NM_001077488.5); c.391-3C>G (NM_080426.4); and 1 more.
Identifiers: ClinVar variation 3656098 (VCV003656098.2).

ClinVar aggregate classification (germline): Uncertain significance (1 of 4 stars; one submission).

Submission:

Labcorp Genetics (formerly Invitae), Labcorp
Classification: Uncertain significance. Last evaluated: 2024-06-10. Review status: criteria provided, single submitter. Criteria: Invitae Variant Classification Sherloc (09022015). Collection method: clinical testing. Allele origin: germline.
Comment: This sequence change falls in intron 5 of the GNAS gene. It does not directly change the encoded amino acid sequence of the GNAS protein. It affects a nucleotide within the consensus splice site. This variant is not present in population databases (gnomAD no frequency). This variant has not been reported in the literature in individuals affected with GNAS-related conditions. Variants that disrupt the consensus splice site are a relatively common cause of aberrant splicing (PMID: 17576681, 9536098). Algorithms developed to predict the effect of sequence changes on RNA splicing suggest that this variant is not likely to affect RNA splicing. In summary, the available evidence is currently insufficient to determine the role of this variant in disease. Therefore, it has been classified as a Variant of Uncertain Significance.

Literature cited by the submitters: PubMed 17576681; PubMed 9536098.